The following is an entry in ClinVar:

ClinVar aggregate classification (germline): Likely pathogenic (1 of 4 stars; one submission).

Conditions:
Autosomal recessive limb-girdle muscular dystrophy type 2A (LGMDR1). Also called: LEYDEN-MOEBIUS MUSCULAR DYSTROPHY; MUSCULAR DYSTROPHY, PELVOFEMORAL; Muscular dystrophy, limb-girdle, type 2A, Amish; Calpainopathy; Limb-girdle muscular dystrophy, type 2A. Identifiers: Orphanet 267, MedGen C1869123, MONDO:0009675, OMIM 253600. Disease mechanism: loss of function.

Allele frequency attached by ClinVar (database versions not stated): gnomAD exomes below 0.00001.
gnomAD v4.1: 1 of 1,614,062 alleles (0.000062%); highest among the groups gnomAD compares: East Asian, 0.0022%; no homozygotes.

Submission:

3billion
Classification: Likely pathogenic for Autosomal recessive limb-girdle muscular dystrophy type 2A. Last evaluated: 2022-05-22. Review status: criteria provided, single submitter. Criteria: ACMG Guidelines, 2015. Collection method: clinical testing. Allele origin: germline. Affected: yes. Observed: 1 homozygote.
Comment: The variant is observed at an extremely low frequency in the gnomAD v2.1.1 dataset (total allele frequency: <0.001%). Functional studies provide supporting evidence of the variant having a damaging effect on the gene or gene product (PMID: 11371436). In silico tool predictions suggest damaging effect of the variant on gene or gene product (REVEL: 0.90; 3Cnet: 0.43). Same nucleotide change resulting in same amino acid change has been previously reported to be associated with CAPN3 related disorder (PMID: 10330340). Therefore, this variant is classified as likely pathogenic according to the recommendation of ACMG/AMP guideline.

Literature cited by the submitters: PubMed 10330340; PubMed 11371436.

NM_000070.3(CAPN3):c.352A>G (p.Arg118Gly)

Gene: CAPN3 (calpain 3; plus strand). Cytogenetic location: 15q15.1.
Variant type: single nucleotide variant.
Coding change: c.352A>G on transcript NM_000070.3 (MANE Select); coding-DNA position 352, A replaced by G.
Protein change: p.Arg118Gly; replaces arginine 118 with glycine.
Molecular consequence: missense variant.
Genome position (GRCh38, 1-based): chr15:42,384,525, A>G. VCF-style: chr15-42384525-A-G. GRCh37 (hg19) VCF-style: chr15-42676723-A-G.
Other names: c.352A>G, p.Arg118Gly (NM_024344.2, NM_173087.2); short protein forms R118G.
Identifiers: ClinVar variation 1325399 (VCV001325399.2), dbSNP rs1566973583, ClinGen allele CA391997392.
Genomic context (GRCh38, chr15:42,384,525, plus strand): 5'-TTCCTTTTTGTTTCACAGGAAATTTGCGAGAATCCCCGATTTATCATTGATGGAGCCAAC[A>G]GAACTGACATCTGTCAAGGAGAGCTAGGTAGGAAAGTGCCTCAGGTCAGATCCTGCCAGA-3'
Protein context (NP_000061.1, residues 108-128): NPRFIIDGAN[Arg118Gly]TDICQGELGD